The following is an entry in ClinVar:

NM_001387283.1(SMARCA4):c.4243C>T (p.Gln1415Ter)

Gene: SMARCA4 (SWI/SNF related BAF chromatin remodeling complex subunit ATPase 4; plus strand). Cytogenetic location: 19p13.2.
Variant type: single nucleotide variant.
Coding change: c.4243C>T on transcript NM_001387283.1 (MANE Plus Clinical); coding-DNA position 4243, C replaced by T.
Protein change: p.Gln1415Ter; replaces glutamine 1415 with a stop codon.
Molecular consequence: nonsense. On other transcripts: intron variant (7).
Genome position (GRCh38, 1-based): chr19:11,039,530, C>T. VCF-style: chr19-11039530-C-T. GRCh37 (hg19) VCF-style: chr19-11150206-C-T.
Other names: c.4243C>T, p.Gln1415Ter (NM_001128849.3); c.4171-1777C>T (NM_001128844.3, NM_003072.5); c.4072-1777C>T (NM_001128847.4, NM_001374457.1, NM_001128848.2); c.4072-1768C>T (NM_001128845.2, NM_001128846.2); short protein forms Q1415*.
Identifiers: ClinVar variation 1044983 (VCV001044983.11), dbSNP rs2075456626, ClinGen allele CA404071706.

ClinVar aggregate classification (germline): Uncertain significance. Review status: criteria provided, multiple submitters, no conflicts (2 of 4 stars). 2 submissions from 2 submitters: Uncertain significance (2). Last evaluated 2022-07-27.

Conditions:
Hereditary cancer-predisposing syndrome. Also called: Hereditary Cancer Syndrome; Tumor predisposition; Hereditary neoplastic syndrome; Neoplastic Syndromes, Hereditary. Identifiers: Orphanet 140162, MedGen C0027672, MeSH D009386, MONDO:0015356.
Rhabdoid tumor predisposition syndrome 2 (RTPS2). Identifiers: Orphanet 231108, Orphanet 69077, MedGen C2750074, MONDO:0013224, OMIM 613325.

Submissions (2):

Ambry Genetics
Classification: Uncertain significance for Hereditary cancer-predisposing syndrome. Last evaluated: 2022-07-27. Review status: criteria provided, single submitter. Criteria: Ambry Variant Classification Scheme 2023. Collection method: clinical testing. Allele origin: germline.
Comment: The p.Q1415* variant (also known as c.4243C>T), located in coding exon 29 of the SMARCA4 gene, results from a C to T substitution at nucleotide position 4243. This changes the amino acid from a glutamine to a stop codon within coding exon 29. This alteration is expected to result in premature protein truncation or nonsense-mediated mRNA decay. However, this region of the SMARCA4 gene is excluded from other biologically relevant transcripts. Loss-of-function variants in SMARCA4 are known to cause rhabdoid tumor predisposition syndrome including small cell carcinoma of the ovary-hypercalcemic type (SCCOHT); however, such associations with neurodevelopmental disorders are exceedingly rare (Kosho T et al. Am J Med Genet C Semin Med Genet. 2014 Sep;166C(3):262-75; Jelinic P et al. Nat Genet. 2014 May;46(5):424-6). Based on the supporting evidence, the association of this alteration with rhabdoid tumor predisposition syndrome is unknown; however, the association of this alteration with Coffin-Siris syndrome is unlikely.

Labcorp Genetics (formerly Invitae), Labcorp
Classification: Uncertain significance for Rhabdoid tumor predisposition syndrome 2. Last evaluated: 2020-04-09. Review status: criteria provided, single submitter. Criteria: Invitae Variant Classification Sherloc (09022015). Collection method: clinical testing. Allele origin: germline.
Comment: This sequence change results in a premature translational stop signal in the SMARCA4 gene (p.Gln1415*). However, it is currently unclear if variants that occur in this region of the gene cause disease. Tissue-specific transcript isoforms that skip in-frame exon 30 (also referred as exon 28B in the literature) have been described (PMID: 18437052), questioning the clinical significance of deleting this exon through alternative splicing and/or whole exon deletion. Although loss-of-function variants in SMARCA4 are known to be pathogenic (PMID: 24658001, 24658002), the clinical significance of truncating (nonsense, frameshift) variants within exon 30 are uncertain. In summary, the available evidence is currently insufficient to determine the role of this variant in disease. Therefore, it has been classified as a Variant of Uncertain Significance. This variant has not been reported in the literature in individuals with SMARCA4-related conditions. This variant is not present in population databases (ExAC no frequency).

Literature cited by the submitters: PubMed 18437052 (cited by Labcorp Genetics (formerly Invitae), Labcorp); PubMed 24658001 (cited by Labcorp Genetics (formerly Invitae), Labcorp); PubMed 24658002 (cited by Labcorp Genetics (formerly Invitae), Labcorp).